The following is an entry in ClinVar:

NM_001037.5(SCN1B):c.*76G>T

Gene: SCN1B (sodium voltage-gated channel beta subunit 1; plus strand). Cytogenetic location: 19q13.11.
Variant type: single nucleotide variant.
Coding change: c.*76G>T on transcript NM_001037.5 (MANE Select); 76 bases downstream of the stop codon, G replaced by T.
Molecular consequence: 3 prime UTR variant.
Genome position (GRCh38, 1-based): chr19:35,039,867, G>T. VCF-style: chr19-35039867-G-T. GRCh37 (hg19) VCF-style: chr19-35530771-G-T.
Other names: c.*76G>T (NM_001321605.2).
Identifiers: ClinVar variation 596636 (VCV000596636.21), dbSNP rs367768639, ClinGen allele CA307708128.

ClinVar aggregate classification (germline): Benign. Review status: criteria provided, multiple submitters, no conflicts (2 of 4 stars). 6 submissions from 5 submitters: Benign (6). Last evaluated 2025-09-01.

Conditions:
Generalized epilepsy with febrile seizures plus, type 1 (GEFSP1). Also called: GEFS+, TYPE 1. Identifiers: Orphanet 36387, MedGen C1858672, MONDO:0011416, OMIM 604233.
Brugada syndrome 5 (BRGDA5). Identifiers: Orphanet 130, Orphanet 871, MedGen C2748541, MONDO:0013015, OMIM 612838.

Allele frequency attached by ClinVar (database versions not stated): gnomAD 0.00566 and 0.00605; 1000 Genomes Project 0.00579; TOPMed 0.00608; 1000 Genomes Project 30x 0.00656.
gnomAD v4.1: 1,309 of 729,290 alleles (0.18%); highest among the groups gnomAD compares: African/African-American, 2%; 17 homozygotes.

Submissions (6):

CeGaT Center for Human Genetics Tuebingen
Classification: Benign. Last evaluated: 2025-09-01. Review status: criteria provided, single submitter. Criteria: CeGaT Center For Human Genetics Tuebingen Variant Classification Criteria Version 2. Collection method: clinical testing. Allele origin: germline. Affected: yes. Observed: 2 variant alleles.
Comment: SCN1B: BS1, BS2

Labcorp Genetics (formerly Invitae), Labcorp
Classification: Benign for Brugada syndrome 5. Last evaluated: 2025-01-06. Review status: criteria provided, single submitter. Criteria: Invitae Variant Classification Sherloc (09022015). Collection method: clinical testing. Allele origin: germline.

Eurofins Ntd Llc (ga)
Classification: Benign. Last evaluated: 2018-04-09. Review status: criteria provided, single submitter. Criteria: EGL ClinVar v180209 classification definitions. Collection method: clinical testing. Allele origin: germline. Observed: 1 variant allele, 1 heterozygote.

Illumina Laboratory Services, Illumina
Classification: Benign for Brugada syndrome 5. Last evaluated: 2017-04-27. Review status: criteria provided, single submitter. Criteria: ICSL Variant Classification Criteria 13 December 2019. Collection method: clinical testing. Allele origin: germline.
Comment: This variant was observed as part of a predisposition screen in an ostensibly healthy population. A literature search was performed for the gene, cDNA change, and amino acid change (where applicable). No publications were found based on this search. Allele frequency data from public databases was too high to be consistent with this variant causing disease. Therefore, this variant is classified as benign.

Illumina Laboratory Services, Illumina
Classification: Benign for Generalized epilepsy with febrile seizures plus, type 1. Last evaluated: 2017-04-27. Review status: criteria provided, single submitter. Criteria: ICSL Variant Classification Criteria 13 December 2019. Collection method: clinical testing. Allele origin: germline.
Comment: the same text as in the submission from Illumina Laboratory Services, Illumina above.

Breakthrough Genomics
Classification: Benign. Review status: criteria provided, single submitter. Criteria: ACMG Guidelines, 2015. Collection method: not provided. Allele origin: germline. Inheritance: Autosomal recessive inheritance. Affected: yes.